The following is an entry in ClinVar:

NM_133638.6(ADAMTS19):c.3084G>C (p.Gly1028=)

Gene: ADAMTS19 (ADAM metallopeptidase with thrombospondin type 1 motif 19; plus strand). Cytogenetic location: 5q23.3.
Variant type: single nucleotide variant.
Coding change: c.3084G>C on transcript NM_133638.6 (MANE Select); coding-DNA position 3084, G replaced by C.
Protein change: p.Gly1028=; no amino-acid change (glycine 1028 retained).
Molecular consequence: synonymous variant.
Genome position (GRCh38, 1-based): chr5:129,701,517, G>C. VCF-style: chr5-129701517-G-C. GRCh37 (hg19) VCF-style: chr5-129037210-G-C.
Identifiers: ClinVar variation 4820962 (VCV004820962.4).

ClinVar aggregate classification (germline): Likely benign (1 of 4 stars; one submission).

gnomAD v4.1: 95 of 1,614,038 alleles (0.0059%); highest among the groups gnomAD compares: Admixed American, 0.013%; no homozygotes.

Submission:

CeGaT Center for Human Genetics Tuebingen
Classification: Likely benign. Last evaluated: 2026-02-01. Review status: criteria provided, single submitter. Criteria: CeGaT Center For Human Genetics Tuebingen Variant Classification Criteria Version 2. Collection method: clinical testing. Allele origin: germline. Affected: yes. Observed: 1 variant allele.
Comment: ADAMTS19: BP4, BP7